The following is an entry in ClinVar:

NM_001377229.1(DISP1):c.7A>G (p.Met3Val)

Gene: DISP1 (dispatched RND transporter family member 1; plus strand). Cytogenetic location: 1q41.
Variant type: single nucleotide variant.
Coding change: c.7A>G on transcript NM_001377229.1 (MANE Select); coding-DNA position 7, A replaced by G.
Protein change: p.Met3Val; replaces methionine 3 with valine.
Molecular consequence: missense variant. On other transcripts: 5 prime UTR variant (1).
Genome position (GRCh38, 1-based): chr1:222,942,830, A>G. VCF-style: chr1-222942830-A-G. GRCh37 (hg19) VCF-style: chr1-223116172-A-G.
Other names: c.-881A>G (NM_001350630.2); c.7A>G, p.Met3Val (NM_001369594.1, NM_001377228.1, NM_032890.5); short protein forms M3V.
Identifiers: ClinVar variation 2300159 (VCV002300159.5), dbSNP rs199657728, ClinGen allele CA1408725.
Genomic context (GRCh38, chr1:222,942,830, plus strand): 5'-GACTGTAACTGGGCGATTTTATGATTTTCTTACTTAGAGTCAAGAAATTGGAGCATGGCT[A>G]TGAGCAATGGAAACAATGATTTTGTGGTTCTGAGCAACAGCAGCATCGCAACCAGTGCTG-3'
Protein context (NP_001364158.1, residues 1-13): MA[Met3Val]SNGNNDFVVL

ClinVar aggregate classification (germline): Uncertain significance. Review status: criteria provided, multiple submitters, no conflicts (2 of 4 stars). 2 submissions from 2 submitters: Uncertain significance (2). Last evaluated 2024-01-15.

Allele frequency attached by ClinVar (database versions not stated): gnomAD exomes 0.00006; 1000 Genomes Project 30x 0.00016; ExAC 0.00018; 1000 Genomes Project 0.00020; gnomAD 0.00021; ESP Exome Variant Server 0.00023; TOPMed 0.00026.
gnomAD v4.1: 121 of 1,614,172 alleles (0.0075%); highest among the groups gnomAD compares: African/African-American, 0.099%; 1 homozygote.

Submissions (2):

Labcorp Genetics (formerly Invitae), Labcorp
Classification: Uncertain significance. Last evaluated: 2024-01-15. Review status: criteria provided, single submitter. Criteria: Invitae Variant Classification Sherloc (09022015). Collection method: clinical testing. Allele origin: germline.
Comment: This sequence change replaces methionine, which is neutral and non-polar, with valine, which is neutral and non-polar, at codon 3 of the DISP1 protein (p.Met3Val). This variant is present in population databases (rs199657728, gnomAD 0.1%), and has an allele count higher than expected for a pathogenic variant. This variant has not been reported in the literature in individuals affected with DISP1-related conditions. ClinVar contains an entry for this variant (Variation ID: 2300159). Algorithms developed to predict the effect of missense changes on protein structure and function output the following: SIFT: "Not Available"; PolyPhen-2: "Benign"; Align-GVGD: "Not Available". The valine amino acid residue is found in multiple mammalian species, which suggests that this missense change does not adversely affect protein function. In summary, the available evidence is currently insufficient to determine the role of this variant in disease. Therefore, it has been classified as a Variant of Uncertain Significance.

Ambry Genetics
Classification: Uncertain significance. Last evaluated: 2021-07-14. Review status: criteria provided, single submitter. Criteria: Ambry Variant Classification Scheme 2023. Collection method: clinical testing. Allele origin: germline.